The following is an entry in ClinVar:

NM_020778.5(ALPK3):c.2833C>T (p.Arg945Trp)

Gene: ALPK3 (alpha kinase 3; plus strand). Cytogenetic location: 15q25.3.
Variant type: single nucleotide variant.
Coding change: c.2833C>T on transcript NM_020778.5 (MANE Select); coding-DNA position 2833, C replaced by T.
Protein change: p.Arg945Trp; replaces arginine 945 with tryptophan.
Molecular consequence: missense variant.
Genome position (GRCh38, 1-based): chr15:84,857,571, C>T. VCF-style: chr15-84857571-C-T. GRCh37 (hg19) VCF-style: chr15-85400802-C-T.
Other names: R1147W; c.3439C>T (NM_020778.4); short protein forms R945W.
Identifiers: ClinVar variation 1703421 (VCV001703421.13), dbSNP rs565789183, ClinGen allele CA7709504.

ClinVar aggregate classification (germline): Conflicting classifications of pathogenicity. Review status: criteria provided, conflicting classifications (1 of 4 stars). 5 submissions from 5 submitters: Uncertain significance (3); Likely benign (1). 1 of the submissions does not count toward it. Last evaluated 2025-10-21.

Conditions:
Cardiomyopathy, familial hypertrophic 27. Identifiers: MedGen C4748014, MONDO:0054838, OMIM 618052.
Cardiovascular phenotype. Identifiers: MedGen CN230736.

Allele frequency attached by ClinVar (database versions not stated): gnomAD exomes 0.00004; gnomAD 0.00005; ExAC 0.00008; 1000 Genomes Project 0.00020; TOPMed 0.00003; 1000 Genomes Project 30x 0.00016.
gnomAD v4.1: 65 of 1,575,108 alleles (0.0041%); highest among the groups gnomAD compares: Middle Eastern, 0.034%; 2 homozygotes.

Submissions (5):

Labcorp Genetics (formerly Invitae), Labcorp
Classification: Uncertain significance. Last evaluated: 2025-10-21. Review status: criteria provided, single submitter. Criteria: Invitae Variant Classification Sherloc (09022015). Collection method: clinical testing. Allele origin: germline.
Comment: This sequence change replaces arginine, which is basic and polar, with tryptophan, which is neutral and slightly polar, at codon 1147 of the ALPK3 protein (p.Arg1147Trp). This variant is present in population databases (rs565789183, gnomAD 0.03%). This missense change has been observed in individual(s) with clinical features of ALPK3-related conditions (PMID: 32480058). ClinVar contains an entry for this variant (Variation ID: 1703421). Invitae Evidence Modeling of protein sequence and biophysical properties (such as structural, functional, and spatial information, amino acid conservation, physicochemical variation, residue mobility, and thermodynamic stability) has been performed for this missense variant. However, the output from this modeling did not meet the statistical confidence thresholds required to predict the impact of this variant on ALPK3 protein function. In summary, the available evidence is currently insufficient to determine the role of this variant in disease. Therefore, it has been classified as a Variant of Uncertain Significance.

GeneDx
Classification: Uncertain significance. Last evaluated: 2025-08-11. Review status: criteria provided, single submitter. Criteria: GeneDx Variant Classification Process June 2021. Collection method: clinical testing. Allele origin: germline.
Comment: Identified in a patient with DCM and arrhythmia in published literature; this patient harbored an additional variant in ALPK3 (PMID: 32480058); In silico analysis supports that this missense variant has a deleterious effect on protein structure/function; Also known as p.(R1147W); This variant is associated with the following publications: (PMID: 32480058)

Ambry Genetics
Classification: Likely benign for Cardiovascular phenotype. Last evaluated: 2025-05-14. Review status: criteria provided, single submitter. Criteria: Ambry Variant Classification Scheme 2023. Collection method: clinical testing. Allele origin: germline.

Molecular Diagnostic Laboratory for Inherited Cardiovascular Disease, Montreal Heart Institute
Classification: Uncertain significance for Cardiovascular phenotype. Last evaluated: 2025-04-09. Review status: criteria provided, single submitter. Criteria: ACMG Guidelines, 2015. Collection method: clinical testing. Allele origin: germline. Affected: yes.

OMIM
Classification: Pathogenic for CARDIOMYOPATHY, FAMILIAL HYPERTROPHIC, 27. Last evaluated: 2025-02-20. Review status: no assertion criteria provided. Collection method: literature only. Allele origin: germline. Not counted in ClinVar's aggregate classification.

Literature cited by the submitters: PubMed 32480058 (cited by 3 submitters).